The following is an entry in ClinVar:

ClinVar aggregate classification (germline): Uncertain significance. Review status: criteria provided, multiple submitters, no conflicts (2 of 4 stars). 2 submissions from 2 submitters: Uncertain significance (2). Last evaluated 2025-02-17.

Conditions:
ADNP-related multiple congenital anomalies - intellectual disability - autism spectrum disorder. Also called: ADNP-Related Helsmoortel-Van der Aa Syndrome; Helsmoortel-Van der Aa Syndrome. Identifiers: Orphanet 404448, MedGen C4014538, MONDO:0014379, OMIM 615873. Disease mechanism: loss of function.

Allele frequency attached by ClinVar (database versions not stated): gnomAD exomes below 0.00001; TOPMed below 0.00001.
gnomAD v4.1: 1 of 1,614,162 alleles (0.000062%); highest among the groups gnomAD compares: Non-Finnish European, 0.000085%; no homozygotes.

Submissions (2):

Labcorp Genetics (formerly Invitae), Labcorp
Classification: Uncertain significance. Last evaluated: 2025-02-17. Review status: criteria provided, single submitter. Criteria: Invitae Variant Classification Sherloc (09022015). Collection method: clinical testing. Allele origin: germline.
Comment: This sequence change replaces alanine, which is neutral and non-polar, with threonine, which is neutral and polar, at codon 858 of the ADNP protein (p.Ala858Thr). This variant is not present in population databases (gnomAD no frequency). This variant has not been reported in the literature in individuals affected with ADNP-related conditions. ClinVar contains an entry for this variant (Variation ID: 976094). An algorithm developed to predict the effect of missense changes on protein structure and function (PolyPhen-2) suggests that this variant is likely to be tolerated. In summary, the available evidence is currently insufficient to determine the role of this variant in disease. Therefore, it has been classified as a Variant of Uncertain Significance.

Institute of Human Genetics, University of Leipzig Medical Center
Classification: Uncertain significance for ADNP-related multiple congenital anomalies - intellectual disability - autism spectrum disorder. Last evaluated: 2018-01-12. Review status: criteria provided, single submitter. Criteria: ACMG Guidelines, 2015. Collection method: clinical testing. Allele origin: germline. Affected: yes. Observed: 1 variant allele.

NM_001282531.3(ADNP):c.2572G>A (p.Ala858Thr)

Gene: ADNP (activity dependent neuroprotector homeobox; minus strand). Cytogenetic location: 20q13.13.
Variant type: single nucleotide variant.
Coding change: c.2572G>A on transcript NM_001282531.3 (MANE Select); coding-DNA position 2572, G replaced by A.
Protein change: p.Ala858Thr; replaces alanine 858 with threonine.
Molecular consequence: missense variant.
Genome position (GRCh38, 1-based): chr20:50,892,142, C>T on the plus strand (G>A on the coding strand, the complement: ADNP is on the minus strand). VCF-style: chr20-50892142-C-T. GRCh37 (hg19) VCF-style: chr20-49508679-C-T.
Other names: c.2572G>A, p.Ala858Thr (NM_001282532.2, NM_001347511.2, NM_015339.5 and 1 more transcripts); short protein forms A858T.
Identifiers: ClinVar variation 976094 (VCV000976094.2), dbSNP rs1448543362, ClinGen allele CA408969064.